The following is an entry in ClinVar:

ClinVar aggregate classification (germline): Uncertain significance (1 of 4 stars; one submission).

Submission:

Labcorp Genetics (formerly Invitae), Labcorp
Classification: Uncertain significance. Last evaluated: 2025-10-09. Review status: criteria provided, single submitter. Criteria: Invitae Variant Classification Sherloc (09022015). Collection method: clinical testing. Allele origin: germline.
Comment: This sequence change replaces arginine, which is basic and polar, with cysteine, which is neutral and slightly polar, at codon 161 of the NSMF protein (p.Arg161Cys). This variant is present in population databases (rs759949216, gnomAD 0.005%). This variant has not been reported in the literature in individuals affected with NSMF-related conditions. Invitae Evidence Modeling of protein sequence and biophysical properties (such as structural, functional, and spatial information, amino acid conservation, physicochemical variation, residue mobility, and thermodynamic stability) indicates that this missense variant is not expected to disrupt NSMF protein function with a negative predictive value of 80%. In summary, the available evidence is currently insufficient to determine the role of this variant in disease. Therefore, it has been classified as a Variant of Uncertain Significance.

NM_001130969.3(NSMF):c.481C>T (p.Arg161Cys)

Gene: NSMF (NMDA receptor synaptonuclear signaling and neuronal migration factor; minus strand). Cytogenetic location: 9q34.3.
Variant type: single nucleotide variant.
Coding change: c.481C>T on transcript NM_001130969.3 (MANE Select); coding-DNA position 481, C replaced by T.
Protein change: p.Arg161Cys; replaces arginine 161 with cysteine.
Molecular consequence: missense variant.
Genome position (GRCh38, 1-based): chr9:137,457,554, G>A on the plus strand (C>T on the coding strand, the complement: NSMF is on the minus strand). VCF-style: chr9-137457554-G-A. GRCh37 (hg19) VCF-style: chr9-140352006-G-A.
Other names: c.481C>T, p.Arg161Cys (NM_001130970.2, NM_001130971.2, NM_001178064.2 and 1 more transcripts); short protein forms R161C.
Identifiers: ClinVar variation 4701615 (VCV004701615.1).